The following is an entry in ClinVar:

NM_024675.4(PALB2):c.1317dup (p.Phe440fs)

Gene: PALB2 (partner and localizer of BRCA2; minus strand). Cytogenetic location: 16p12.2.
Variant type: Duplication.
Coding change: c.1317dup on transcript NM_024675.4 (MANE Select); coding-DNA position 1317, one base duplicated (G; older notation c.1317dupG).
Protein change: p.Phe440fs; shifts the reading frame from phenylalanine 440.
Molecular consequence: frameshift variant.
Genome position (GRCh38, 1-based): chr16:23,635,229, C duplicated on the plus strand (G on the coding strand, the reverse complement: PALB2 is on the minus strand); the first of 3 consecutive C bases (chr16:23,635,229-23,635,231); duplicating any one gives the same sequence. VCF-style (leftmost placement, unchanged base first): chr16-23635228-A-AC. GRCh37 (hg19) VCF-style: chr16-23646549-A-AC.
Other names: short protein forms F440fs.
Identifiers: ClinVar variation 1691939 (VCV001691939.7), dbSNP rs515726067, ClinGen allele CA2573152180.

ClinVar aggregate classification (germline): Pathogenic/Likely pathogenic. Review status: criteria provided, multiple submitters, no conflicts (2 of 4 stars). 4 submissions from 4 submitters: Pathogenic (3); Likely pathogenic (1). Last evaluated 2025-01-31.

Conditions:
Familial cancer of breast. Also called: BREAST CANCER, FAMILIAL; Hereditary breast cancer; hereditary breast carcinoma. Identifiers: Orphanet 227535, MedGen C0346153, MONDO:0016419, OMIM 114480. Disease mechanism: loss of function.
Hereditary cancer-predisposing syndrome. Also called: Hereditary Cancer Syndrome; Hereditary neoplastic syndrome; Neoplastic Syndromes, Hereditary; Tumor predisposition. Identifiers: Orphanet 140162, MedGen C0027672, MeSH D009386, MONDO:0015356.

Submissions (4):

Myriad Genetics, Inc.
Classification: Pathogenic for Familial cancer of breast. Last evaluated: 2025-01-31. Review status: criteria provided, single submitter. Criteria: Myriad Autosomal Dominant, Autosomal Recessive and X-Linked Classification Criteria (2023). Collection method: clinical testing. Allele origin: unknown.
Comment: This variant is considered pathogenic. This variant creates a frameshift predicted to result in premature protein truncation.

Labcorp Genetics (formerly Invitae), Labcorp
Classification: Pathogenic for Familial cancer of breast. Last evaluated: 2024-05-13. Review status: criteria provided, single submitter. Criteria: Invitae Variant Classification Sherloc (09022015). Collection method: clinical testing. Allele origin: germline.
Comment: This sequence change creates a premature translational stop signal (p.Phe440Valfs*2) in the PALB2 gene. It is expected to result in an absent or disrupted protein product. Loss-of-function variants in PALB2 are known to be pathogenic (PMID: 17200668, 17200671, 17200672, 24136930, 25099575). This variant is not present in population databases (gnomAD no frequency). This variant has not been reported in the literature in individuals affected with PALB2-related conditions. ClinVar contains an entry for this variant (Variation ID: 1691939). For these reasons, this variant has been classified as Pathogenic.

Ambry Genetics
Classification: Pathogenic for Hereditary cancer-predisposing syndrome. Last evaluated: 2023-09-05. Review status: criteria provided, single submitter. Criteria: Ambry Variant Classification Scheme 2023. Collection method: clinical testing. Allele origin: germline.
Comment: The c.1317dupG variant, located in coding exon 4 of the PALB2 gene, results from a duplication of G at nucleotide position 1317, causing a translational frameshift with a predicted alternate stop codon (p.F440Vfs*2). This alteration is expected to result in loss of function by premature protein truncation or nonsense-mediated mRNA decay. As such, this alteration is interpreted as a disease-causing mutation.

Sema4
Classification: Likely pathogenic for Hereditary cancer-predisposing syndrome. Last evaluated: 2022-01-19. Review status: criteria provided, single submitter. Criteria: Sema4 Curation Guidelines. Collection method: curation. Allele origin: germline.
Comment: To the best of our knowledge, the PALB2 c.1317dupG p(.F440VfsX2) variant has not been reported in individuals with PALB2-related disease. This nonsense variant creates a premature stop codon at residue 441 of the PALB2 protein. This alteration is expected to result in loss of function by premature protein truncation or nonsense-mediated mRNA decay. Loss of function variants in PALB2 are known to be pathogenic (PMID: 17200668). It was not observed in the large and broad cohorts of the Genome Aggregation Database (PMID: 32461654). This variant has not been reported in ClinVar. Based on the current evidence available, this variant is interpreted as likely pathogenic.

Literature cited by the submitters: PubMed 17200668 (cited by Labcorp Genetics (formerly Invitae), Labcorp and Sema4); PubMed 17200671 (cited by Labcorp Genetics (formerly Invitae), Labcorp); PubMed 17200672 (cited by Labcorp Genetics (formerly Invitae), Labcorp); PubMed 24136930 (cited by Labcorp Genetics (formerly Invitae), Labcorp); PubMed 25099575 (cited by Labcorp Genetics (formerly Invitae), Labcorp).